The following is an entry in ClinVar:

ClinVar aggregate classification (germline): Uncertain significance. Review status: criteria provided, multiple submitters, no conflicts (2 of 4 stars). 3 submissions from 3 submitters: Uncertain significance (3). Last evaluated 2025-09-25.

Conditions:
Hereditary nonpolyposis colorectal neoplasms. Identifiers: MedGen C0009405, MeSH D003123.
Hereditary cancer-predisposing syndrome. Also called: Hereditary Cancer Syndrome; Hereditary neoplastic syndrome; Neoplastic Syndromes, Hereditary; Tumor predisposition. Identifiers: Orphanet 140162, MedGen C0027672, MeSH D009386, MONDO:0015356.
Endometrial carcinoma. Also called: Endometrial carcinoma, somatic. Identifiers: MedGen C0476089, MONDO:0002447, OMIM 608089, HP:0012114.

gnomAD v4.1: 1 of 1,614,210 alleles (0.000062%); no homozygotes.

Submissions (3):

Ambry Genetics
Classification: Uncertain significance for Hereditary cancer-predisposing syndrome. Last evaluated: 2025-09-25. Review status: criteria provided, single submitter. Criteria: Ambry Variant Classification Scheme 2023. Collection method: clinical testing. Allele origin: germline.
Comment: The p.E332K variant (also known as c.994G>A), located in coding exon 4 of the MSH6 gene, results from a G to A substitution at nucleotide position 994. The glutamic acid at codon 332 is replaced by lysine, an amino acid with similar properties. This amino acid position is well conserved in available vertebrate species. In addition, the in silico prediction for this alteration is inconclusive. Based on the available evidence, the clinical significance of this variant remains unclear.

Labcorp Genetics (formerly Invitae), Labcorp
Classification: Uncertain significance for Hereditary nonpolyposis colorectal neoplasms. Last evaluated: 2024-07-21. Review status: criteria provided, single submitter. Criteria: Invitae Variant Classification Sherloc (09022015). Collection method: clinical testing. Allele origin: germline.
Comment: This sequence change replaces glutamic acid, which is acidic and polar, with lysine, which is basic and polar, at codon 332 of the MSH6 protein (p.Glu332Lys). This variant is not present in population databases (gnomAD no frequency). This variant has not been reported in the literature in individuals affected with MSH6-related conditions. ClinVar contains an entry for this variant (Variation ID: 1768703). Advanced modeling of protein sequence and biophysical properties (such as structural, functional, and spatial information, amino acid conservation, physicochemical variation, residue mobility, and thermodynamic stability) performed at Invitae indicates that this missense variant is not expected to disrupt MSH6 protein function with a negative predictive value of 95%. In summary, the available evidence is currently insufficient to determine the role of this variant in disease. Therefore, it has been classified as a Variant of Uncertain Significance.

Baylor Genetics
Classification: Uncertain significance for Endometrial carcinoma. Last evaluated: 2023-06-14. Review status: criteria provided, single submitter. Criteria: ACMG Guidelines, 2015. Collection method: clinical testing. Allele origin: unknown.

NM_000179.3(MSH6):c.994G>A (p.Glu332Lys)

Gene: MSH6 (mutS homolog 6; plus strand). Cytogenetic location: 2p16.3.
Variant type: single nucleotide variant.
Coding change: c.994G>A on transcript NM_000179.3 (MANE Select); coding-DNA position 994, G replaced by A.
Protein change: p.Glu332Lys; replaces glutamic acid 332 with lysine.
Molecular consequence: missense variant.
Genome position (GRCh38, 1-based): chr2:47,798,977, G>A. VCF-style: chr2-47798977-G-A. GRCh37 (hg19) VCF-style: chr2-48026116-G-A.
Other names: c.994G>A, p.Glu332Lys (NM_001406809.1, NM_001406796.1, NM_001406798.1 and 4 more transcripts); c.88G>A, p.Glu30Lys (NM_001406812.1, NM_001406814.1, NM_001406811.1 and 6 more transcripts); c.1000G>A, p.Glu334Lys (NM_001406813.1); c.604G>A, p.Glu202Lys (NM_001281492.2); c.1090G>A, p.Glu364Lys (NM_001406795.1, NM_001406802.1); c.697G>A, p.Glu233Lys (NM_001406797.1, NM_001406801.1, NM_001406805.1 and 10 more transcripts); c.469G>A, p.Glu157Lys (NM_001406799.1, NM_001406806.1, NM_001406807.1); c.916G>A, p.Glu306Lys (NM_001406804.1); and 1 more; short protein forms E306K, E157K, E233K, E202K, E334K, E364K, E276K, E30K.
Identifiers: ClinVar variation 1768703 (VCV001768703.6), dbSNP rs2104312080, ClinGen allele CA346741119.